The following is an entry in ClinVar:

NM_004596.5(SNRPA):c.723C>T (p.Pro241=)

Gene: SNRPA (small nuclear ribonucleoprotein polypeptide A; plus strand). Cytogenetic location: 19q13.2.
Variant type: single nucleotide variant.
Coding change: c.723C>T on transcript NM_004596.5 (MANE Select); coding-DNA position 723, C replaced by T.
Protein change: p.Pro241=; no amino-acid change (proline 241 retained).
Molecular consequence: synonymous variant.
Genome position (GRCh38, 1-based): chr19:40,765,041, C>T. VCF-style: chr19-40765041-C-T. GRCh37 (hg19) VCF-style: chr19-41270946-C-T.
Identifiers: ClinVar variation 3046740 (VCV003046740.2), dbSNP rs776580160, ClinGen allele CA9451658.

ClinVar aggregate classification (germline): Likely benign (0 of 4 stars; one submission).

Conditions:
SNRPA-related disorder. Also called: SNRPA-related condition.

Allele frequency attached by ClinVar (database versions not stated): gnomAD 0.00001; TOPMed 0.00001; ExAC 0.00002.
gnomAD v4.1: 20 of 1,587,770 alleles (0.0013%); highest among the groups gnomAD compares: Middle Eastern, 0.05%; no homozygotes.

Submission:

PreventionGenetics, part of Exact Sciences
Classification: Likely benign for SNRPA-related condition. Last evaluated: 2019-02-20. Review status: no assertion criteria provided. Collection method: clinical testing. Allele origin: germline.
Comment: This variant is classified as likely benign based on ACMG/AMP sequence variant interpretation guidelines (Richards et al. 2015 PMID: 25741868, with internal and published modifications).